The following is an entry in ClinVar:

ClinVar aggregate classification (germline): Conflicting classifications of pathogenicity. Review status: criteria provided, conflicting classifications (1 of 4 stars). 4 submissions from 4 submitters: Uncertain significance (2); Likely benign (1). 1 of the submissions does not count toward it. Last evaluated 2025-11-10.

Conditions:
Hereditary cancer-predisposing syndrome. Also called: Neoplastic Syndromes, Hereditary; Hereditary neoplastic syndrome; Tumor predisposition; Hereditary Cancer Syndrome. Identifiers: Orphanet 140162, MedGen C0027672, MeSH D009386, MONDO:0015356.
Fumarase deficiency (FMRD). Also called: Fumaric aciduria; Fumarate Hydratase Deficiency. Identifiers: Orphanet 24, MedGen C0342770, MONDO:0011730, OMIM 606812.

Allele frequency attached by ClinVar (database versions not stated): gnomAD exomes 0.00001; TOPMed 0.00002; gnomAD 0.00003.
gnomAD v4.1: 17 of 1,547,094 alleles (0.0011%); highest among the groups gnomAD compares: South Asian, 0.0095%; no homozygotes.

Submissions (4):

Labcorp Genetics (formerly Invitae), Labcorp
Classification: Likely benign. Last evaluated: 2025-11-10. Review status: criteria provided, single submitter. Criteria: Invitae Variant Classification Sherloc (09022015). Collection method: clinical testing. Allele origin: germline.

Ambry Genetics
Classification: Uncertain significance for Hereditary cancer-predisposing syndrome. Last evaluated: 2025-06-09. Review status: criteria provided, single submitter. Criteria: Ambry Variant Classification Scheme 2023. Collection method: clinical testing. Allele origin: germline.
Comment: The p.L14F variant (also known as c.40C>T), located in coding exon 1 of the FH gene, results from a C to T substitution at nucleotide position 40. The leucine at codon 14 is replaced by phenylalanine, an amino acid with highly similar properties. This amino acid position is well conserved on limited sequence alignment. In addition, the in silico prediction for this alteration is inconclusive. Since supporting evidence is limited at this time, the clinical significance of this alteration remains unclear.

GeneDx
Classification: Uncertain significance. Last evaluated: 2022-12-23. Review status: criteria provided, single submitter. Criteria: GeneDx Variant Classification Process June 2021. Collection method: clinical testing. Allele origin: germline. Affected: yes.
Comment: Not observed at significant frequency in large population cohorts (gnomAD); In silico analysis supports that this missense variant does not alter protein structure/function; Has not been previously published as pathogenic or benign to our knowledge

Natera, Inc.
Classification: Uncertain significance for Fumarase deficiency. Last evaluated: 2019-10-28. Review status: no assertion criteria provided. Collection method: clinical testing. Allele origin: germline. Not counted in ClinVar's aggregate classification.

NM_000143.4(FH):c.40C>T (p.Leu14Phe)

Gene: FH (fumarate hydratase; minus strand). Cytogenetic location: 1q43.
Variant type: single nucleotide variant.
Coding change: c.40C>T on transcript NM_000143.4 (MANE Select); coding-DNA position 40, C replaced by T.
Protein change: p.Leu14Phe; replaces leucine 14 with phenylalanine.
Molecular consequence: missense variant.
Genome position (GRCh38, 1-based): chr1:241,519,683, G>A on the plus strand (C>T on the coding strand, the complement: FH is on the minus strand). VCF-style: chr1-241519683-G-A. GRCh37 (hg19) VCF-style: chr1-241682983-G-A.
Other names: short protein forms L14F.
Identifiers: ClinVar variation 529819 (VCV000529819.16), dbSNP rs981562354, ClinGen allele CA40338036.